The following is an entry in ClinVar:

NM_001244008.2(KIF1A):c.1181-5C>T

Gene: KIF1A (kinesin family member 1A; minus strand). Cytogenetic location: 2q37.3.
Variant type: single nucleotide variant.
Coding change: c.1181-5C>T on transcript NM_001244008.2 (MANE Select); 5 bases into the intron before coding-DNA position 1181, C replaced by T.
Molecular consequence: intron variant.
Genome position (GRCh38, 1-based): chr2:240,772,601, G>A on the plus strand (C>T on the coding strand, the complement: KIF1A is on the minus strand). VCF-style: chr2-240772601-G-A. GRCh37 (hg19) VCF-style: chr2-241712018-G-A.
Other names: c.1180+513C>T (NM_001379653.1, NM_001379650.1, NM_001379645.1 and 12 more transcripts); c.1181-5C>T (NM_001379635.1, NM_001320705.2, NM_001379638.1 and 5 more transcripts).
Identifiers: ClinVar variation 388094 (VCV000388094.2), dbSNP rs996110321, ClinGen allele CA16604092.
Genomic context (GRCh38, chr2:240,772,601, plus strand): 5'-ATGCAGAGAGCAGCAAAGGGAATACACACATTTGGGTCCTCCAGGCACAGTGTTGGCTAT[G>A]GGGGAGGGAAGCGTGGGGGAGGGGGAGAGACAGAGAAACAGAAGAACAGGTTTGTCTCCA-3'

ClinVar aggregate classification (germline): Likely benign. Review status: criteria provided, multiple submitters, no conflicts (2 of 4 stars). 2 submissions from 2 submitters: Likely benign (2). Last evaluated 2024-07-16.

Allele frequency attached by ClinVar (database versions not stated): TOPMed 0.00001.
gnomAD v4.1: 42 of 1,545,766 alleles (0.0027%); highest among the groups gnomAD compares: Non-Finnish European, 0.0034%; no homozygotes.

Submissions (2):

Blueprint Genetics
Classification: Likely benign. Last evaluated: 2024-07-16. Review status: criteria provided, single submitter. Criteria: ACMG Guidelines, 2015. Collection method: clinical testing. Allele origin: germline.

GeneDx
Classification: Likely benign. Last evaluated: 2016-07-29. Review status: criteria provided, single submitter. Criteria: GeneDx Variant Classification (06012015). Collection method: clinical testing. Allele origin: germline. Affected: yes.
Comment: This variant is considered likely benign or benign based on one or more of the following criteria: it is a conservative change, it occurs at a poorly conserved position in the protein, it is predicted to be benign by multiple in silico algorithms, and/or has population frequency not consistent with disease.